The following is an entry in ClinVar:

NM_001127178.3(PIGG):c.826A>G (p.Ser276Gly)

Gene: PIGG (phosphatidylinositol glycan anchor biosynthesis class G (EMM blood group); plus strand). Cytogenetic location: 4p16.3.
Variant type: single nucleotide variant.
Coding change: c.826A>G on transcript NM_001127178.3 (MANE Select); coding-DNA position 826, A replaced by G.
Protein change: p.Ser276Gly; replaces serine 276 with glycine.
Molecular consequence: missense variant. On other transcripts: 5 prime UTR variant (3), non-coding transcript variant (10), intron variant (1).
Genome position (GRCh38, 1-based): chr4:508,895, A>G. VCF-style: chr4-508895-A-G. GRCh37 (hg19) VCF-style: chr4-502684-A-G.
Other names: c.559A>G, p.Ser187Gly (NM_001289051.2, NM_001289053.2, NM_001289057.2 and 2 more transcripts); c.427A>G, p.Ser143Gly (NM_001289052.2); c.460A>G, p.Ser154Gly (NM_001289055.2); c.826A>G, p.Ser276Gly (NM_001345989.2, NM_017733.5); c.-800A>G (NM_001345990.2); c.-662A>G (NM_001345991.2); c.-387A>G (NM_001345994.2); c.-129+1302A>G (NM_001345988.2); short protein forms S276G, S154G, S143G, S187G.
Identifiers: ClinVar variation 476353 (VCV000476353.11), dbSNP rs373951989, ClinGen allele CA2793112.

ClinVar aggregate classification (germline): Conflicting classifications of pathogenicity. Review status: criteria provided, conflicting classifications (1 of 4 stars). 4 submissions from 4 submitters: Uncertain significance (3); Likely benign (1). Last evaluated 2025-06-25.

Conditions:
Intellectual disability, autosomal recessive 53 (NEDHSCA). Also called: GLYCOSYLPHOSPHATIDYLINOSITOL BIOSYNTHESIS DEFECT 13; Mental retardation, autosomal recessive 53; NEURODEVELOPMENTAL DISORDER WITH OR WITHOUT HYPOTONIA, SEIZURES, AND CEREBELLAR ATROPHY. Identifiers: Orphanet 488635, MedGen C4310794, MONDO:0014832, OMIM 616917.

Allele frequency attached by ClinVar (database versions not stated): ESP Exome Variant Server 0.00023; gnomAD exomes 0.00024 and 0.00030; ExAC 0.00025; gnomAD 0.00025 and 0.00027; TOPMed 0.00029.
gnomAD v4.1: 464 of 1,613,460 alleles (0.029%); highest among the groups gnomAD compares: Non-Finnish European, 0.034%; no homozygotes.

Submissions (4):

GeneDx
Classification: Uncertain significance. Last evaluated: 2025-06-25. Review status: criteria provided, single submitter. Criteria: GeneDx Variant Classification Process June 2021. Collection method: clinical testing. Allele origin: germline. Affected: yes.
Comment: In silico analysis suggests that this missense variant does not alter protein structure/function; Has not been previously published as pathogenic or benign to our knowledge

Blueprint Genetics
Classification: Likely benign. Last evaluated: 2023-05-02. Review status: criteria provided, single submitter. Criteria: ACMG Guidelines, 2015. Collection method: clinical testing. Allele origin: germline.

Labcorp Genetics (formerly Invitae), Labcorp
Classification: Uncertain significance for Intellectual disability, autosomal recessive 53. Last evaluated: 2022-05-19. Review status: criteria provided, single submitter. Criteria: Invitae Variant Classification Sherloc (09022015). Collection method: clinical testing. Allele origin: germline.
Comment: This sequence change replaces serine, which is neutral and polar, with glycine, which is neutral and non-polar, at codon 276 of the PIGG protein (p.Ser276Gly). This variant is present in population databases (rs373951989, gnomAD 0.04%). This variant has not been reported in the literature in individuals affected with PIGG-related conditions. ClinVar contains an entry for this variant (Variation ID: 476353). Algorithms developed to predict the effect of missense changes on protein structure and function output the following: SIFT: "Tolerated"; PolyPhen-2: "Benign"; Align-GVGD: "Class C0". The glycine amino acid residue is found in multiple mammalian species, which suggests that this missense change does not adversely affect protein function. In summary, the available evidence is currently insufficient to determine the role of this variant in disease. Therefore, it has been classified as a Variant of Uncertain Significance.

Revvity Omics, Revvity
Classification: Uncertain significance. Last evaluated: 2019-07-10. Review status: criteria provided, single submitter. Criteria: ACMG Guidelines, 2015. Collection method: clinical testing. Allele origin: germline.